The following is an entry in ClinVar:

NM_000562.3(C8A):c.182G>A (p.Arg61Gln)

Gene: C8A (complement C8 alpha chain; plus strand). Cytogenetic location: 1p32.2.
Variant type: single nucleotide variant.
Coding change: c.182G>A on transcript NM_000562.3 (MANE Select); coding-DNA position 182, G replaced by A.
Protein change: p.Arg61Gln; replaces arginine 61 with glutamine.
Molecular consequence: missense variant.
Genome position (GRCh38, 1-based): chr1:56,874,959, G>A. VCF-style: chr1-56874959-G-A. GRCh37 (hg19) VCF-style: chr1-57340632-G-A.
Other names: short protein forms R61Q.
Identifiers: ClinVar variation 1036895 (VCV001036895.5), dbSNP rs199851888, ClinGen allele CA874957.
Genomic context (GRCh38, chr1:56,874,959, plus strand): 5'-GATTGATTGATTGGTTGACAAGAATGTGTCTTGTTCAAAATCTGGTTTAGTACCGACACC[G>A]GAGCCTCTTGCAGCCAAACAAGTTTGGGGGAACCATCTGCAGTGGTGACATCTGGGATCA-3'
Protein context (NP_000553.1, residues 51-71): FPCQDKKYRH[Arg61Gln]SLLQPNKFGG

ClinVar aggregate classification (germline): Uncertain significance (1 of 4 stars; one submission).

Allele frequency attached by ClinVar (database versions not stated): TOPMed 0.00014; ESP Exome Variant Server 0.00015; gnomAD 0.00016 and 0.00017; gnomAD exomes 0.00019 and 0.00027; ExAC 0.00022.

Submission:

Labcorp Genetics (formerly Invitae), Labcorp
Classification: Uncertain significance. Last evaluated: 2024-10-18. Review status: criteria provided, single submitter. Criteria: Invitae Variant Classification Sherloc (09022015). Collection method: clinical testing. Allele origin: germline.
Comment: This sequence change replaces arginine, which is basic and polar, with glutamine, which is neutral and polar, at codon 61 of the C8A protein (p.Arg61Gln). This variant is present in population databases (rs199851888, gnomAD 0.06%). This variant has not been reported in the literature in individuals affected with C8A-related conditions. ClinVar contains an entry for this variant (Variation ID: 1036895). An algorithm developed to predict the effect of missense changes on protein structure and function (PolyPhen-2) suggests that this variant is likely to be disruptive. Algorithms developed to predict the effect of sequence changes on RNA splicing suggest that this variant may disrupt the consensus splice site. In summary, the available evidence is currently insufficient to determine the role of this variant in disease. Therefore, it has been classified as a Variant of Uncertain Significance.